The following is an entry in ClinVar:

NM_004260.4(RECQL4):c.3575T>G (p.Phe1192Cys)

Gene: RECQL4 (RecQ like helicase 4; minus strand). Cytogenetic location: 8q24.3.
Variant type: single nucleotide variant.
Coding change: c.3575T>G on transcript NM_004260.4 (MANE Select); coding-DNA position 3575, T replaced by G.
Protein change: p.Phe1192Cys; replaces phenylalanine 1192 with cysteine.
Molecular consequence: missense variant. On other transcripts: non-coding transcript variant (3).
Genome position (GRCh38, 1-based): chr8:144,511,483, A>C on the plus strand (T>G on the coding strand, the complement: RECQL4 is on the minus strand). VCF-style: chr8-144511483-A-C. GRCh37 (hg19) VCF-style: chr8-145736866-A-C.
Other names: c.3281T>G, p.Phe1094Cys (NM_001413017.1); c.3377T>G, p.Phe1126Cys (NM_001413018.1); c.3650T>G, p.Phe1217Cys (NM_001413019.1); c.3479T>G, p.Phe1160Cys (NM_001413020.1); c.2504T>G, p.Phe835Cys (NM_001413021.1, NM_001413022.1, NM_001413024.1 and 4 more transcripts); c.2579T>G, p.Phe860Cys (NM_001413023.1); c.3446T>G, p.Phe1149Cys (NM_001413025.1); c.2438T>G, p.Phe813Cys (NM_001413027.1, NM_001413030.1, NM_001413032.1); and 9 more; short protein forms F1149C, F1195C, F791C, F1075C, F1148C, F1182C, F1192C, F825C.
Identifiers: ClinVar variation 2866760 (VCV002866760.3), dbSNP rs2537959047, ClinGen allele CA372665730.

ClinVar aggregate classification (germline): Uncertain significance (1 of 4 stars; one submission).

Conditions:
Baller-Gerold syndrome (BGS). Also called: CRANIOSYNOSTOSIS WITH RADIAL DEFECTS. Identifiers: Orphanet 1225, MedGen C0265308, MONDO:0009039, OMIM 218600.

Submission:

Labcorp Genetics (formerly Invitae), Labcorp
Classification: Uncertain significance for Baller-Gerold syndrome. Last evaluated: 2023-05-22. Review status: criteria provided, single submitter. Criteria: Invitae Variant Classification Sherloc (09022015). Collection method: clinical testing. Allele origin: germline.
Comment: Advanced modeling of protein sequence and biophysical properties (such as structural, functional, and spatial information, amino acid conservation, physicochemical variation, residue mobility, and thermodynamic stability) performed at Invitae indicates that this missense variant is expected to disrupt RECQL4 protein function. In summary, the available evidence is currently insufficient to determine the role of this variant in disease. Therefore, it has been classified as a Variant of Uncertain Significance. This variant has not been reported in the literature in individuals affected with RECQL4-related conditions. This variant is not present in population databases (gnomAD no frequency). This sequence change replaces phenylalanine, which is neutral and non-polar, with cysteine, which is neutral and slightly polar, at codon 1192 of the RECQL4 protein (p.Phe1192Cys).